The following is an entry in ClinVar:

NM_000138.5(FBN1):c.6379G>A (p.Asp2127Asn)

Gene: FBN1 (fibrillin 1; minus strand). Cytogenetic location: 15q21.1.
Variant type: single nucleotide variant.
Coding change: c.6379G>A on transcript NM_000138.5 (MANE Select); coding-DNA position 6379, G replaced by A.
Protein change: p.Asp2127Asn; replaces aspartic acid 2127 with asparagine.
Molecular consequence: missense variant.
Genome position (GRCh38, 1-based): chr15:48,437,322, C>T on the plus strand (G>A on the coding strand, the complement: FBN1 is on the minus strand). VCF-style: chr15-48437322-C-T. GRCh37 (hg19) VCF-style: chr15-48729519-C-T.
Other names: short protein forms D2127N.
Identifiers: ClinVar variation 549341 (VCV000549341.10), dbSNP rs1555395225, ClinGen allele CA392336733.

ClinVar aggregate classification (germline): Conflicting classifications of pathogenicity. Review status: criteria provided, conflicting classifications (1 of 4 stars). 4 submissions from 4 submitters: Pathogenic (1); Uncertain significance (2). 1 of the submissions does not count toward it. Last evaluated 2025-09-03.

Conditions:
Familial thoracic aortic aneurysm and aortic dissection (TAAD). Also called: Thoracic aortic aneurysms and dissections. Identifiers: Orphanet 91387, MedGen C4707243, MONDO:0019625.
Marfan syndrome (MFS). Also called: Marfan syndrome type 1; Marfan syndrome, classic; Marfan's syndrome; FBN1-Related Marfan Syndrome; MARFAN SYNDROME, TYPE I. Identifiers: Orphanet 284963, Orphanet 558, MedGen C0024796, MONDO:0007947, OMIM 154700.

Allele frequency attached by ClinVar (database versions not stated): gnomAD exomes below 0.00001.
gnomAD v4.1: 1 of 1,612,918 alleles (0.000062%); highest among the groups gnomAD compares: South Asian, 0.0011%; no homozygotes.

Submissions (4):

Labcorp Genetics (formerly Invitae), Labcorp
Classification: Uncertain significance for Marfan syndrome; Familial thoracic aortic aneurysm and aortic dissection. Last evaluated: 2025-09-03. Review status: criteria provided, single submitter. Criteria: Invitae Variant Classification Sherloc (09022015). Collection method: clinical testing. Allele origin: germline.
Comment: This sequence change replaces aspartic acid, which is acidic and polar, with asparagine, which is neutral and polar, at codon 2127 of the FBN1 protein (p.Asp2127Asn). This variant also falls at the last nucleotide of exon 52, which is part of the consensus splice site for this exon. This variant is not present in population databases (gnomAD no frequency). This missense change has been observed in individual(s) with Marfan syndrome (PMID: 25652356). ClinVar contains an entry for this variant (Variation ID: 549341). An algorithm developed to predict the effect of missense changes on protein structure and function (PolyPhen-2) suggests that this variant is likely to be disruptive. Variants that disrupt the consensus splice site are a relatively common cause of aberrant splicing (PMID: 17576681, 9536098). Algorithms developed to predict the effect of sequence changes on RNA splicing suggest that this variant may disrupt the consensus splice site. This variant disrupts the p.Asp2127 amino acid residue in FBN1. Other variant(s) that disrupt this residue have been observed in individuals with FBN1-related conditions (PMID: 8136837, 20538085), which suggests that this may be a clinically significant amino acid residue. In summary, the available evidence is currently insufficient to determine the role of this variant in disease. Therefore, it has been classified as a Variant of Uncertain Significance.

Genomic Medicine Center of Excellence, King Faisal Specialist Hospital and Research Centre
Classification: Pathogenic for Marfan syndrome. Last evaluated: 2024-12-19. Review status: criteria provided, single submitter. Criteria: ACMG Guidelines, 2015. Collection method: clinical testing. Allele origin: germline.

Ambry Genetics
Classification: Uncertain significance for Familial thoracic aortic aneurysm and aortic dissection. Last evaluated: 2024-05-06. Review status: criteria provided, single submitter. Criteria: Ambry Variant Classification Scheme 2023. Collection method: clinical testing. Allele origin: germline.
Comment: The p.D2127N variant (also known as c.6379G>A), located in coding exon 51 of the FBN1 gene, results from a G to A substitution at nucleotide position 6379. The amino acid change results in aspartic acid to asparagine at codon 2127, an amino acid with highly similar properties. However, this change occurs in the last base pair of coding exon 51, which makes it likely to have some effect on normal mRNA splicing. This alteration has been reported in a Marfan syndrome cohort; however, clinical details were limited (Baudhuin LM et al. J Hum Genet, 2015 May;60:241-52). This variant alters a conserved residue in the calcium-binding consensus sequence of a cbEGF domain and is expected to disrupt FBN1 function (Handford PA et al. Nature. 1991; 351(6322):164-7). This nucleotide position is highly conserved in available vertebrate species. In silico splice site analysis predicts that this alteration may weaken the native splice donor site. This amino acid position is highly conserved in available vertebrate species. In addition, as a missense substitution this is predicted to be inconclusive by in silico analysis. Based on the available evidence, the clinical significance of this variant remains unclear.

Center for Medical Genetics Ghent, University of Ghent
Classification: Likely pathogenic for Marfan syndrome. Last evaluated: 2017-11-07. Review status: no assertion criteria provided. Collection method: clinical testing. Allele origin: germline. Affected: yes. Not counted in ClinVar's aggregate classification.

Literature cited by the submitters: PubMed 25652356 (cited by Labcorp Genetics (formerly Invitae), Labcorp and Ambry Genetics); PubMed 17576681 (cited by Labcorp Genetics (formerly Invitae), Labcorp); PubMed 9536098 (cited by Labcorp Genetics (formerly Invitae), Labcorp); PubMed 8136837 (cited by Labcorp Genetics (formerly Invitae), Labcorp); PubMed 20538085 (cited by Labcorp Genetics (formerly Invitae), Labcorp).